The following is an entry in ClinVar:

NM_014915.3(ANKRD26):c.2065C>G (p.Gln689Glu)

Gene: ANKRD26 (ankyrin repeat domain containing 26; minus strand). Cytogenetic location: 10p12.1.
Variant type: single nucleotide variant.
Coding change: c.2065C>G on transcript NM_014915.3 (MANE Select); coding-DNA position 2065, C replaced by G.
Protein change: p.Gln689Glu; replaces glutamine 689 with glutamic acid.
Molecular consequence: missense variant.
Genome position (GRCh38, 1-based): chr10:27,043,522, G>C on the plus strand (C>G on the coding strand, the complement: ANKRD26 is on the minus strand). VCF-style: chr10-27043522-G-C. GRCh37 (hg19) VCF-style: chr10-27332451-G-C.
Other names: c.2062C>G, p.Gln688Glu (NM_001256053.2); short protein forms Q688E, Q689E.
Identifiers: ClinVar variation 2573920 (VCV002573920.2), dbSNP rs1271091291, ClinGen allele CA376368913.

ClinVar aggregate classification (germline): Uncertain significance. Review status: criteria provided, multiple submitters, no conflicts (2 of 4 stars). 2 submissions from 2 submitters: Uncertain significance (2). Last evaluated 2024-12-12.

Conditions:
Inborn genetic diseases. Identifiers: MedGen C0950123, MeSH D030342.

Allele frequency attached by ClinVar (database versions not stated): gnomAD exomes below 0.00001; gnomAD 0.00001; TOPMed 0.00002.
gnomAD v4.1: 2 of 1,613,446 alleles (0.00012%); highest among the groups gnomAD compares: African/African-American, 0.0027%; no homozygotes.

Submissions (2):

Ambry Genetics
Classification: Uncertain significance for Inborn genetic diseases. Last evaluated: 2024-12-12. Review status: criteria provided, single submitter. Criteria: Ambry Variant Classification Scheme 2023. Collection method: clinical testing. Allele origin: germline.
Comment: The p.Q689E variant (also known as c.2065C>G), located in coding exon 20 of the ANKRD26 gene, results from a C to G substitution at nucleotide position 2065. The glutamine at codon 689 is replaced by glutamic acid, an amino acid with highly similar properties. This amino acid position is conserved. In addition, this alteration is predicted to be tolerated by in silico analysis. Based on the available evidence, the clinical significance of this variant remains unclear.

GeneDx
Classification: Uncertain significance. Last evaluated: 2023-01-24. Review status: criteria provided, single submitter. Criteria: GeneDx Variant Classification Process June 2021. Collection method: clinical testing. Allele origin: germline. Affected: yes.
Comment: Not observed at significant frequency in large population cohorts (gnomAD); In silico analysis supports that this missense variant does not alter protein structure/function; Has not been previously published as pathogenic or benign to our knowledge